The following is an entry in ClinVar:

ClinVar aggregate classification (germline): Uncertain significance (3 of 4 stars; one submission).

Conditions:
Monogenic diabetes. Identifiers: Orphanet 183625, MedGen C3888631, MONDO:0015967.

Allele frequency attached by ClinVar (database versions not stated): gnomAD exomes below 0.00001.

Submission:

ClinGen Monogenic Diabetes Variant Curation Expert Panel
Classification: Uncertain significance for Monogenic diabetes. Last evaluated: 2025-08-05. Review status: reviewed by expert panel. Criteria: ClinGen Diabetes ACMG Specifications HNF1A V3.0.0. Collection method: curation. Allele origin: germline. Inheritance: Autosomal dominant inheritance.
Comment: The c.137A>C variant in the HNF1 homeobox A gene, HNF1A, causes an amino acid change of lysine to threonine at codon 46 (p.(Lys46Thr)) of NM_000545.8. This variant is predicted to be deleterious by computational evidence, with a REVEL score of 0.764, which is greater than the MDEP VCEP threshold of 0.70 (PP3). This variant has an incomputable gnomAD v4.1.0 Grpmax filtering allele frequency due to 1 copy in the European non-Finnish subpopulation and 0 copies in any other subpopulation, thereby meeting the ClinGen MDEP threshold criteria for PM2_Supporting (PM2_Supporting). This variant was identified in an individual with diabetes; however, the calculated MODY probability is <50%, and so PP4 cannot be applied (internal lab contributors). In summary, c.137A>C meets the criteria to be classified as a variant of uncertain significance for monogenic diabetes. ACMG/AMP criteria applied, as specified by the ClinGen MDEP (specification version 3.0.0, approved 6/30/2025): PP3, PM2_Supporting.

NM_000545.8(HNF1A):c.137A>C (p.Lys46Thr)

Gene: HNF1A (HNF1 homeobox A; plus strand). Cytogenetic location: 12q24.31.
Variant type: single nucleotide variant.
Coding change: c.137A>C on transcript NM_000545.8 (MANE Select); coding-DNA position 137, A replaced by C.
Protein change: p.Lys46Thr; replaces lysine 46 with threonine.
Molecular consequence: missense variant.
Genome position (GRCh38, 1-based): chr12:120,978,905, A>C. VCF-style: chr12-120978905-A-C. GRCh37 (hg19) VCF-style: chr12-121416708-A-C.
Other names: NM_001306179.2:c.137A>C; NM_000545.8(HNF1A):c.137A>C; p.Lys46Thr; c.137A>C, p.Lys46Thr (NM_001306179.2); short protein forms K46T.
Identifiers: ClinVar variation 1676720 (VCV001676720.4), dbSNP rs2135819731, ClinGen allele CA386953128.